The following is an entry in ClinVar:

GRCh37/hg19 1q21.1-21.2(chr1:146493131-147831043)x1

Genes: ACP6 (acid phosphatase 6, lysophosphatidic; minus strand), BCL9 (BCL9 transcription coactivator; plus strand), CHD1L (chromodomain helicase DNA binding protein 1 like; plus strand), FMO5 (flavin containing dimethylaniline monoxygenase 5; minus strand), GJA5 (gap junction protein alpha 5; minus strand) and 3 more. Cytogenetic location: 1q21.1-21.2.
Variant type: copy number loss.
Change: copy number 1 (one copy instead of two) of chr1:146,493,131-147,831,043 (1.34 Mb, GRCh37 coordinates, 1-based), cytogenetic band 1q21.1-21.2.
Identifiers: ClinVar variation 1803806 (VCV001803806.3).

ClinVar aggregate classification (germline): Pathogenic (1 of 4 stars; one submission).

Submission:

Illumina Laboratory Services, Illumina
Classification: Pathogenic. Last evaluated: 2022-05-16. Review status: criteria provided, single submitter. Criteria: ICSL CNVClassificationCriteria Aug2020. Collection method: clinical testing. Allele origin: unknown.
Comment: This CNV is an inherited 1.3 Mb deletion of 1q21.1-q21.2 on chromosome 1, (seq[GRCh37]del(1)(q21.1q21.2); chr1:g.146493131_147831043del). This CNV constitutes a loss encompassing nine protein coding genes including ACP6, BCL9, CHD1L, FMO5, GJA5, GJA8, GPR89B, NBPF11, and PRKAB2. This CNV overlaps the region associated with the 1.35 Mb 1q21.1 recurrent microdeletion syndrome, which is widely reported in the literature with at least 55 cases reported in three studies (Mefford et al. 2008; Brunetti-Pierri et al. 2008; Bernier et al 2015; Haldeman-Englert et al. 2015). The microdeletion is generally inherited in an autosomal dominant pattern from either an unaffected or mildly affected parent but has also been shown to occur de novo (Brunetti-Pierri et al. 2008; Mefford et al. 2008; Firth et al. 2009; Bernier et al. 2015; Haldeman-Englert et al. 2015). A similar but smaller overlapping 935 kb deletion has been observed in a total of five individuals at a frequency of 0.000420 in the Genome Aggregation Database (gnomAD SVs version 2.1). Based on the available evidence, this CNV is classified as pathogenic.

Literature cited by the submitters: PubMed 18784092; PubMed 19029900; PubMed 19344873; PubMed 21348049; PubMed 26066539.